The following is an entry in ClinVar:

ClinVar aggregate classification (germline): Uncertain significance. Review status: criteria provided, multiple submitters, no conflicts (2 of 4 stars). 3 submissions from 3 submitters: Uncertain significance (3). Last evaluated 2025-05-23.

Allele frequency attached by ClinVar (database versions not stated): TOPMed 0.00001; gnomAD exomes below 0.00001; ExAC 0.00001.

Submissions (3):

GeneDx
Classification: Uncertain significance. Last evaluated: 2025-05-23. Review status: criteria provided, single submitter. Criteria: GeneDx Variant Classification Process June 2021. Collection method: clinical testing. Allele origin: germline. Affected: yes.
Comment: Observed in patients with retinal disease in the published literature (PMID: 36460718); Not observed at significant frequency in large population cohorts (gnomAD); In silico analysis supports that this missense variant has a deleterious effect on protein structure/function; This variant is associated with the following publications: (PMID: 36460718)

Labcorp Genetics (formerly Invitae), Labcorp
Classification: Uncertain significance. Last evaluated: 2021-01-17. Review status: criteria provided, single submitter. Criteria: Invitae Variant Classification Sherloc (09022015). Collection method: clinical testing. Allele origin: germline.
Comment: In summary, the available evidence is currently insufficient to determine the role of this variant in disease. Therefore, it has been classified as a Variant of Uncertain Significance. Algorithms developed to predict the effect of missense changes on protein structure and function (SIFT, PolyPhen-2, Align-GVGD) all suggest that this variant is likely to be disruptive, but these predictions have not been confirmed by published functional studies and their clinical significance is uncertain. This variant has not been reported in the literature in individuals with GNAT2-related conditions. This variant is present in population databases (rs771880106, ExAC 0.001%). This sequence change replaces aspartic acid with valine at codon 272 of the GNAT2 protein (p.Asp272Val). The aspartic acid residue is highly conserved and there is a large physicochemical difference between aspartic acid and valine.

Blueprint Genetics
Classification: Uncertain significance. Last evaluated: 2017-09-06. Review status: criteria provided, single submitter. Criteria: ACMG Guidelines, 2015. Collection method: clinical testing. Allele origin: germline.

NM_001377295.2(GNAT2):c.815A>T (p.Asp272Val)

Gene: GNAT2 (G protein subunit alpha transducin 2; minus strand). Cytogenetic location: 1p13.3.
Variant type: single nucleotide variant.
Coding change: c.815A>T on transcript NM_001377295.2 (MANE Select); coding-DNA position 815, A replaced by T.
Protein change: p.Asp272Val; replaces aspartic acid 272 with valine.
Molecular consequence: missense variant.
Genome position (GRCh38, 1-based): chr1:109,604,010, T>A on the plus strand (A>T on the coding strand, the complement: GNAT2 is on the minus strand). VCF-style: chr1-109604010-T-A. GRCh37 (hg19) VCF-style: chr1-110146632-T-A.
Other names: c.815A>T (NM_005272.3); c.815A>T, p.Asp272Val (NM_001379232.1, NM_005272.5); short protein forms D272V.
Identifiers: ClinVar variation 1040639 (VCV001040639.7), dbSNP rs771880106, ClinGen allele CA992310.